The following is an entry in ClinVar:

NM_007294.4(BRCA1):c.3691T>G (p.Phe1231Val)

Genes: BRCA1 (BRCA1 DNA repair associated; minus strand), LOC126862571 (BRD4-independent group 4 enhancer GRCh37_chr17:41243136-41244335; plus strand). Cytogenetic location: 17q21.31.
Variant type: single nucleotide variant.
Coding change: c.3691T>G on transcript NM_007294.4 (MANE Select); coding-DNA position 3691, T replaced by G.
Protein change: p.Phe1231Val; replaces phenylalanine 1231 with valine.
Molecular consequence: missense variant. On other transcripts: intron variant (135).
Genome position (GRCh38, 1-based): chr17:43,091,840, A>C on the plus strand (T>G on the coding strand, the complement: BRCA1 is on the minus strand). VCF-style: chr17-43091840-A-C. GRCh37 (hg19) VCF-style: chr17-41243857-A-C.
Other names: c.3550T>G, p.Phe1184Val (NM_001407728.1, NM_001407729.1, NM_001407730.1 and 29 more transcripts); c.3547T>G, p.Phe1183Val (NM_001407740.1, NM_001407741.1, NM_001407742.1 and 20 more transcripts); c.3478T>G, p.Phe1160Val (NM_001407853.1, NM_001407894.1, NM_001407895.1 and 9 more transcripts); c.3691T>G, p.Phe1231Val (NM_001407854.1, NM_001407858.1, NM_001407859.1 and 30 more transcripts); c.3688T>G, p.Phe1230Val (NM_001407860.1, NM_001407861.1, NM_001407587.1 and 22 more transcripts); c.3490T>G, p.Phe1164Val (NM_001407862.1); c.3568T>G, p.Phe1190Val (NM_001407863.1, NM_001407919.1, NM_001407937.1 and 19 more transcripts); c.3487T>G, p.Phe1163Val (NM_001407874.1, NM_001407875.1); and 41 more; short protein forms F1063V, F1103V, F1104V, F1119V, F1120V, F1142V, F1143V, F1160V.
Identifiers: ClinVar variation 4813435 (VCV004813435.1).

ClinVar aggregate classification (germline): Uncertain significance (1 of 4 stars; one submission).

Conditions:
Breast-ovarian cancer, familial, susceptibility to, 1 (BROVCA1). Also called: OVARIAN CANCER, SUSCEPTIBILITY TO; BRCA1 Hereditary Breast and Ovarian Cancer. Identifiers: Orphanet 145, MedGen C2676676, MONDO:0011450, OMIM 604370. Disease mechanism: loss of function.

Submission:

MVZ Praenatalmedizin und Genetik Nuernberg
Classification: Uncertain significance for Breast-ovarian cancer, familial, susceptibility to, 1. Last evaluated: 2021-03-02. Review status: criteria provided, single submitter. Criteria: ACMG Guidelines, 2015. Collection method: clinical testing. Allele origin: germline.
Comment: This mutation has not yet been described in databases (gnomAD, ClinVar, FLOSSIES) or in the literature. Computer-assisted predictions (in silico) showed inconsistent results. In summary this is a variant of uncertain clinical significance (VUS).